The following is an entry in ClinVar:

NM_000077.5(CDKN2A):c.129_131dup (p.Tyr44_Gly45insTyr)

Gene: CDKN2A (cyclin dependent kinase inhibitor 2A; minus strand). Cytogenetic location: 9p21.3.
Variant type: Duplication.
Coding change: c.129_131dup on transcript NM_000077.5; coding-DNA positions 129 to 131, 3 bases duplicated (TTA; older notation c.129_131dupTTA).
Protein change: p.Tyr44_Gly45insTyr.
Molecular consequence: inframe indel (on NM_000077.6). On other transcripts: inframe insertion (2), intron variant (2).
Genome position (GRCh38, 1-based): chr9:21,974,697-21,974,699, TAA duplicated on the plus strand (TTA on the coding strand, the reverse complement: CDKN2A is on the minus strand). VCF-style (leftmost placement, unchanged base first): chr9-21974696-G-GTAA. GRCh37 (hg19) VCF-style: chr9-21974695-G-GTAA.
Other names: c.129_131dup, p.Tyr44_Gly45insTyr (NM_000077.6, NM_001195132.2, NM_058197.5); c.-3-3491_-3-3489dup (NM_001363763.2); c.194-3491_194-3489dup (NM_058195.4).
Identifiers: ClinVar variation 1042150 (VCV001042150.8), dbSNP rs1819947833, ClinGen allele CA1839172871.

ClinVar aggregate classification (germline): Uncertain significance (1 of 4 stars; one submission).

Conditions:
Familial melanoma. Also called: Hereditary melanoma; Hereditary cutaneous melanoma. Identifiers: Orphanet 618, MedGen C1512419, MONDO:0018961.

Submission:

Labcorp Genetics (formerly Invitae), Labcorp
Classification: Uncertain significance for Familial melanoma. Last evaluated: 2020-07-15. Review status: criteria provided, single submitter. Criteria: Invitae Variant Classification Sherloc (09022015). Collection method: clinical testing. Allele origin: germline.
Comment: This variant, c.129_131dup, results in the insertion of 1 amino acid(s) to the CDKN2A (p16INK4a) protein (p.Tyr44dup), but otherwise preserves the integrity of the reading frame. This variant is not present in population databases (ExAC no frequency). This variant has not been reported in the literature in individuals with CDKN2A (p16INK4a)-related conditions. Experimental studies and prediction algorithms are not available or were not evaluated, and the functional significance of this variant is currently unknown. In summary, the available evidence is currently insufficient to determine the role of this variant in disease. Therefore, it has been classified as a Variant of Uncertain Significance.